The following is an entry in ClinVar:

NM_000393.5(COL5A2):c.1303-16T>A

Gene: COL5A2 (collagen type V alpha 2 chain; minus strand). Cytogenetic location: 2q32.2.
Variant type: single nucleotide variant.
Coding change: c.1303-16T>A on transcript NM_000393.5 (MANE Select); 16 bases into the intron before coding-DNA position 1303, T replaced by A.
Molecular consequence: intron variant.
Genome position (GRCh38, 1-based): chr2:189,068,129, A>T on the plus strand (T>A on the coding strand, the complement: COL5A2 is on the minus strand). VCF-style: chr2-189068129-A-T. GRCh37 (hg19) VCF-style: chr2-189932855-A-T.
Identifiers: ClinVar variation 392827 (VCV000392827.3), dbSNP rs1057524650, ClinGen allele CA16604308.

ClinVar aggregate classification (germline): Likely benign. Review status: criteria provided, multiple submitters, no conflicts (2 of 4 stars). 2 submissions from 2 submitters: Likely benign (2). Last evaluated 2024-11-06.

Conditions:
Ehlers-Danlos syndrome, classic type, 1 (EDSCL1). Also called: EHLERS-DANLOS SYNDROME, GRAVIS TYPE; EHLERS-DANLOS SYNDROME, SEVERE CLASSIC TYPE; Ehlers-Danlos Syndrome, Classic Type, COL5A1-Related; EDS I; Ehlers-Danlos syndrome, type 1. Identifiers: MedGen C0268335, MONDO:0019567, OMIM 130000.

Allele frequency attached by ClinVar (database versions not stated): gnomAD 0.00001; gnomAD exomes 0.00001 and below 0.00001.
gnomAD v4.1: 8 of 1,609,006 alleles (0.0005%); highest among the groups gnomAD compares: Non-Finnish European, 0.00068%; no homozygotes.

Submissions (2):

Labcorp Genetics (formerly Invitae), Labcorp
Classification: Likely benign for Ehlers-Danlos syndrome, classic type, 1. Last evaluated: 2024-11-06. Review status: criteria provided, single submitter. Criteria: Invitae Variant Classification Sherloc (09022015). Collection method: clinical testing. Allele origin: germline.

GeneDx
Classification: Likely benign. Last evaluated: 2017-01-17. Review status: criteria provided, single submitter. Criteria: GeneDx Variant Classification (06012015). Collection method: clinical testing. Allele origin: germline. Affected: yes.
Comment: This variant is considered likely benign or benign based on one or more of the following criteria: it is a conservative change, it occurs at a poorly conserved position in the protein, it is predicted to be benign by multiple in silico algorithms, and/or has population frequency not consistent with disease.